The following is an entry in ClinVar:

NM_015705.6(SGSM3):c.2175G>A (p.Ala725=)

Gene: SGSM3 (small G protein signaling modulator 3; plus strand). Cytogenetic location: 22q13.1.
Variant type: single nucleotide variant.
Coding change: c.2175G>A on transcript NM_015705.6 (MANE Select); coding-DNA position 2175, G replaced by A.
Protein change: p.Ala725=; no amino-acid change (alanine 725 retained).
Molecular consequence: synonymous variant. On other transcripts: non-coding transcript variant (4), intron variant (3).
Genome position (GRCh38, 1-based): chr22:40,409,684, G>A. VCF-style: chr22-40409684-G-A. GRCh37 (hg19) VCF-style: chr22-40805688-G-A.
Other names: c.1908G>A, p.Ala636= (NM_001301849.2); c.2226G>A, p.Ala742= (NM_001350039.2); c.2037G>A, p.Ala679= (NM_001350042.2); c.2025G>A, p.Ala675= (NM_001350043.2); c.1986G>A, p.Ala662= (NM_001350044.2, NM_001350045.2); c.1974G>A, p.Ala658= (NM_001350046.2); c.1677G>A, p.Ala559= (NM_001350048.2); c.2223+159G>A (NM_001350040.2); and 2 more.
Identifiers: ClinVar variation 3898262 (VCV003898262.7).
Genomic context (GRCh38, chr22:40,409,684, plus strand): 5'-TAGGAACTACCCCAGCCATGCCCAAGGCCTGTGAGGTGAGGGGCTGCCCTGTTTGCAGGC[G>A]CAGCAGCCCCTGAAGGAGGGCGTCCGGGACATGCTGGTGAAGCACCACCTCTTCAGCTGG-3'
Protein context (NP_056520.2, residues 715-735): QDWELPAKRE[Ala725=]QQPLKEGVRD

ClinVar aggregate classification (germline): Likely benign (1 of 4 stars; one submission).

gnomAD v4.1: 686 of 1,613,254 alleles (0.043%); highest among the groups gnomAD compares: South Asian, 0.11%; 3 homozygotes.

Submission:

CeGaT Center for Human Genetics Tuebingen
Classification: Likely benign. Last evaluated: 2026-02-01. Review status: criteria provided, single submitter. Criteria: CeGaT Center For Human Genetics Tuebingen Variant Classification Criteria Version 2. Collection method: clinical testing. Allele origin: germline. Affected: yes. Observed: 2 variant alleles.
Comment: SGSM3: BP4, BP7